The following is an entry in ClinVar:

ClinVar aggregate classification (germline): Likely benign (1 of 4 stars; one submission).

gnomAD v4.1: 87 of 1,613,966 alleles (0.0054%); highest among the groups gnomAD compares: African/African-American, 0.11%; no homozygotes.

Submission:

CeGaT Center for Human Genetics Tuebingen
Classification: Likely benign. Last evaluated: 2026-02-01. Review status: criteria provided, single submitter. Criteria: CeGaT Center For Human Genetics Tuebingen Variant Classification Criteria Version 2. Collection method: clinical testing. Allele origin: germline. Affected: yes. Observed: 1 variant allele.
Comment: PPP1R21: BP4, BP7

NM_001135629.3(PPP1R21):c.2121A>G (p.Glu707=)

Gene: PPP1R21 (protein phosphatase 1 regulatory subunit 21; plus strand). Cytogenetic location: 2p16.3.
Variant type: single nucleotide variant.
Coding change: c.2121A>G on transcript NM_001135629.3 (MANE Select); coding-DNA position 2121, A replaced by G.
Protein change: p.Glu707=; no amino-acid change (glutamic acid 707 retained).
Molecular consequence: synonymous variant. On other transcripts: non-coding transcript variant (1).
Genome position (GRCh38, 1-based): chr2:48,510,050, A>G. VCF-style: chr2-48510050-A-G. GRCh37 (hg19) VCF-style: chr2-48737189-A-G.
Other names: c.1995A>G, p.Glu665= (NM_001193475.2); c.2088A>G, p.Glu696= (NM_152994.5).
Identifiers: ClinVar variation 4821969 (VCV004821969.4).
Genomic context (GRCh38, chr2:48,510,050, plus strand): 5'-AATGGAATGTTTTCTGATTTTACAGTGCCGAGCACTGTCTAAAAGACTGGCCTTGGCTGA[A>G]AAGTCTAAGGAAGCATTGACAGAAGAAATGAAACTTGCCAGTCAGAACATCAGCAGACTT-3'
Protein context (NP_001129101.1, residues 697-717): RALSKRLALA[Glu707=]KSKEALTEEM